The following is an entry in ClinVar:

NM_001369.3(DNAH5):c.563del (p.Gly188fs)

Gene: DNAH5 (dynein axonemal heavy chain 5; minus strand). Cytogenetic location: 5p15.2.
Variant type: Deletion.
Coding change: c.563del on transcript NM_001369.3 (MANE Select); coding-DNA position 563, one base deleted (G; older notation c.563delG).
Protein change: p.Gly188fs; shifts the reading frame from glycine 188.
Molecular consequence: frameshift variant.
Genome position (GRCh38, 1-based): chr5:13,922,204, C deleted on the plus strand (G on the coding strand, the reverse complement: DNAH5 is on the minus strand); the first of 3 consecutive C bases (chr5:13,922,204-13,922,206); deleting any one gives the same sequence. VCF-style (leftmost placement, unchanged base first): chr5-13922203-GC-G. GRCh37 (hg19) VCF-style: chr5-13922312-GC-G.
Other names: short protein forms G188fs.
Identifiers: ClinVar variation 5015687 (VCV005015687.1).
Genomic context (GRCh38, chr5:13,922,203, plus strand): 5'-GTTCACAAAGCCTTCCAGGGAGCTCAAGAACTCCTGGCGAATGTTAGCTGCGTCCTGAAG[GC>G]CCTCGAGCTCGCCCCAGCCATGGCTCGTGGCTCTGAGAGCAGGAATGAAGATGTCCGACA-3'

ClinVar aggregate classification (germline): Pathogenic (1 of 4 stars; one submission).

Conditions:
Primary ciliary dyskinesia 3. Identifiers: Orphanet 244, MedGen C1837618, MONDO:0012085, OMIM 608644.

Submission:

Myriad Genetics, Inc.
Classification: Pathogenic for Primary ciliary dyskinesia 3. Last evaluated: 2026-03-18. Review status: criteria provided, single submitter. Criteria: Myriad Autosomal Dominant, Autosomal Recessive and X-Linked Classification Criteria (2023). Collection method: clinical testing. Allele origin: unknown.
Comment: NM_001369.2(DNAH5):c.563delG(G188Afs*13) is expected to be pathogenic in the context of primary ciliary dyskinesia, DNAH5-related. This variant is predicted to lead to an abnormal or absent protein product due to the creation of a premature termination codon in DNAH5, a gene where loss-of-function variants are known to be pathogenic. Please note: this variant was assessed in the context of healthy population screening.